The following is an entry in ClinVar:

ClinVar aggregate classification (germline): Benign/Likely benign. Review status: criteria provided, multiple submitters, no conflicts (2 of 4 stars). 3 submissions from 3 submitters: Benign (1); Likely benign (2). Last evaluated 2024-03-21.

Conditions:
Hereditary cancer-predisposing syndrome. Also called: Hereditary neoplastic syndrome; Hereditary Cancer Syndrome; Tumor predisposition; Neoplastic Syndromes, Hereditary. Identifiers: Orphanet 140162, MedGen C0027672, MeSH D009386, MONDO:0015356.
Familial adenomatous polyposis 1 (FAP1). Also called: FAMILIAL ADENOMATOUS POLYPOSIS 1, ATTENUATED; POLYPOSIS, ADENOMATOUS INTESTINAL. Identifiers: MedGen C2713442, MONDO:0021056, OMIM 175100. Disease mechanism: loss of function.

Submissions (3):

Myriad Genetics, Inc.
Classification: Benign for Familial adenomatous polyposis 1. Last evaluated: 2024-03-21. Review status: criteria provided, single submitter. Criteria: Myriad Autosomal Dominant, Autosomal Recessive and X-Linked Classification Criteria (2023). Collection method: clinical testing. Allele origin: unknown.
Comment: This variant is considered benign. This variant is a silent/synonymous amino acid change and it is not expected to impact splicing.

Labcorp Genetics (formerly Invitae), Labcorp
Classification: Likely benign for Familial adenomatous polyposis 1. Last evaluated: 2021-05-26. Review status: criteria provided, single submitter. Criteria: Invitae Variant Classification Sherloc (09022015). Collection method: clinical testing. Allele origin: germline.

Ambry Genetics
Classification: Likely benign for Hereditary cancer-predisposing syndrome. Last evaluated: 2020-01-22. Review status: criteria provided, single submitter. Criteria: Ambry Variant Classification Scheme 2023. Collection method: clinical testing. Allele origin: germline.

NM_000038.6(APC):c.3594A>C (p.Ser1198=)

Gene: APC (APC regulator of Wnt signaling pathway; plus strand). Cytogenetic location: 5q22.2.
Variant type: single nucleotide variant.
Coding change: c.3594A>C on transcript NM_000038.6 (MANE Select); coding-DNA position 3594, A replaced by C.
Protein change: p.Ser1198=; no amino-acid change (serine 1198 retained).
Molecular consequence: synonymous variant.
Genome position (GRCh38, 1-based): chr5:112,839,188, A>C. VCF-style: chr5-112839188-A-C. GRCh37 (hg19) VCF-style: chr5-112174885-A-C.
Other names: c.3594A>C, p.Ser1198= (NM_001127510.3, NM_001354895.2); c.3540A>C, p.Ser1180= (NM_001127511.3); c.3648A>C, p.Ser1216= (NM_001354896.2); c.3624A>C, p.Ser1208= (NM_001354897.2); c.3519A>C, p.Ser1173= (NM_001354898.2); c.3510A>C, p.Ser1170= (NM_001354899.2); c.3471A>C, p.Ser1157= (NM_001354900.2); c.3417A>C, p.Ser1139= (NM_001354901.2); and 5 more.
Identifiers: ClinVar variation 1135870 (VCV001135870.50), dbSNP rs773494804, ClinGen allele CA445963638.
Genomic context (GRCh38, chr5:112,839,188, plus strand): 5'-TTATAGTTTAAAATATGCCACAGATATTCCTTCATCACAGAAACAGTCATTTTCATTCTC[A>C]AAGAGTTCATCTGGACAAAGCAGTAAAACCGAACATATGTCTTCAAGCAGTGAGAATACG-3'
Protein context (NP_000029.2, residues 1188-1208): PSSQKQSFSF[Ser1198=]KSSSGQSSKT